The following is an entry in ClinVar:

NM_000384.3(APOB):c.9276G>A (p.Arg3092=)

Gene: APOB (apolipoprotein B; minus strand). Cytogenetic location: 2p24.1.
Variant type: single nucleotide variant.
Coding change: c.9276G>A on transcript NM_000384.3 (MANE Select); coding-DNA position 9276, G replaced by A.
Protein change: p.Arg3092=; no amino-acid change (arginine 3092 retained).
Molecular consequence: synonymous variant.
Genome position (GRCh38, 1-based): chr2:21,007,592, C>T on the plus strand (G>A on the coding strand, the complement: APOB is on the minus strand). VCF-style: chr2-21007592-C-T. GRCh37 (hg19) VCF-style: chr2-21230464-C-T.
Identifiers: ClinVar variation 630269 (VCV000630269.13), dbSNP rs148951610, ClinGen allele CA066420.

ClinVar aggregate classification (germline): Likely benign. Review status: criteria provided, multiple submitters, no conflicts (2 of 4 stars). 3 submissions from 3 submitters: Likely benign (3). Last evaluated 2025-04-26.

Conditions:
Hypercholesterolemia, autosomal dominant, type B (FHCL2). Also called: APOB-Related Familial Hypercholesterolemia, Autosomal Dominant; Hyperlipoproteinemia Type IIb; Familial Hypercholesterolemia Type B; APOLIPOPROTEIN B-100, FAMILIAL DEFECTIVE; APOLIPOPROTEIN B-100, FAMILIAL LIGAND-DEFECTIVE; Familial hypercholesterolemia 2. Identifiers: MedGen C1704417, MONDO:0007751, OMIM 144010.
Familial hypobetalipoproteinemia 1. Also called: APOB-Related Familial Hypobetalipoproteinemia; Hypobetalipoproteinemia, normotriglyceridemic; Acanthocytosis with hypobetalipoproteinemia. Identifiers: MedGen C4551990, MONDO:0014252, OMIM 615558.
Cardiovascular phenotype. Identifiers: MedGen CN230736.
Familial hypercholesterolemia. Also called: Familial hypercholesterolemias; Familial hypercholesterolaemia. Identifiers: MedGen C0020445, MONDO:0005439.

Allele frequency attached by ClinVar (database versions not stated): ESP Exome Variant Server 0.00023; gnomAD exomes 0.00004; ExAC 0.00007; gnomAD 0.00015 and 0.00016; 1000 Genomes Project 30x 0.00016; 1000 Genomes Project 0.00020; TOPMed 0.00020.
gnomAD v4.1: 45 of 1,614,058 alleles (0.0028%); highest among the groups gnomAD compares: African/African-American, 0.055%; no homozygotes.

Submissions (3):

Labcorp Genetics (formerly Invitae), Labcorp
Classification: Likely benign for Familial hypobetalipoproteinemia 1; Hypercholesterolemia, autosomal dominant, type B. Last evaluated: 2025-04-26. Review status: criteria provided, single submitter. Criteria: Invitae Variant Classification Sherloc (09022015). Collection method: clinical testing. Allele origin: germline.

GENinCode PLC
Classification: Likely benign for Familial hypercholesterolemia. Last evaluated: 2025-01-09. Review status: criteria provided, single submitter. Criteria: ACMG Guidelines, 2015. Collection method: clinical testing. Allele origin: germline.
Comment: This is a synonymous (silent) variant that is not predicted to impact splicing and occurs at a nucleotide which is not highly conserved. This variant has been classified as Likely Benign (BP4, BP7).

Ambry Genetics
Classification: Likely benign for Cardiovascular phenotype. Last evaluated: 2022-08-16. Review status: criteria provided, single submitter. Criteria: Ambry Variant Classification Scheme 2023. Collection method: clinical testing. Allele origin: germline.